The following is an entry in ClinVar:

NM_020549.5(CHAT):c.1843A>G (p.Ile615Val)

Gene: CHAT (choline O-acetyltransferase; plus strand). Cytogenetic location: 10q11.23.
Variant type: single nucleotide variant.
Coding change: c.1843A>G on transcript NM_020549.5 (MANE Select); coding-DNA position 1843, A replaced by G.
Protein change: p.Ile615Val; replaces isoleucine 615 with valine.
Molecular consequence: missense variant.
Genome position (GRCh38, 1-based): chr10:49,662,648, A>G. VCF-style: chr10-49662648-A-G. GRCh37 (hg19) VCF-style: chr10-50870694-A-G.
Other names: c.1489A>G, p.Ile497Val (NM_001142929.2, NM_001142934.2, NM_020984.4 and 2 more transcripts); c.1597A>G, p.Ile533Val (NM_001142933.2); short protein forms I497V, I615V, I533V.
Identifiers: ClinVar variation 461454 (VCV000461454.10), dbSNP rs759151717, ClinGen allele CA5497657.
Genomic context (GRCh38, chr10:49,662,648, plus strand): 5'-CAAGGAGGTGCAGGAGGCCCACTTCTCATCTCCTGTTCTTTGTCCCCAACTACACAGGCC[A>G]TAACAGGGATGGCCATTGACAACCACCTGCTGGCACTGCGGGAGCTGGCCCGGGCCATGT-3'
Protein context (NP_065574.4, residues 605-625): RAQTAYTVMA[Ile615Val]TGMAIDNHLL

ClinVar aggregate classification (germline): Uncertain significance (1 of 4 stars; one submission).

Conditions:
Familial infantile myasthenia (CMS6). Also called: MYASTHENIC SYNDROME, PRESYNAPTIC, CONGENITAL, ASSOCIATED WITH EPISODIC APNEA; MYASTHENIC SYNDROME, CONGENITAL, 6, PRESYNAPTIC; Congenital myasthenic syndrome type 6. Identifiers: Orphanet 590, MedGen C0393929, MONDO:0009689, OMIM 254210.

Allele frequency attached by ClinVar (database versions not stated): gnomAD exomes below 0.00001; ExAC 0.00001; gnomAD 0.00001.
gnomAD v4.1: 7 of 1,614,158 alleles (0.00043%); highest among the groups gnomAD compares: East Asian, 0.0045%; no homozygotes.

Submission:

Labcorp Genetics (formerly Invitae), Labcorp
Classification: Uncertain significance for Familial infantile myasthenia. Last evaluated: 2024-10-14. Review status: criteria provided, single submitter. Criteria: Invitae Variant Classification Sherloc (09022015). Collection method: clinical testing. Allele origin: germline.
Comment: This sequence change replaces isoleucine, which is neutral and non-polar, with valine, which is neutral and non-polar, at codon 615 of the CHAT protein (p.Ile615Val). This variant is present in population databases (rs759151717, gnomAD 0.0009%). This variant has not been reported in the literature in individuals affected with CHAT-related conditions. ClinVar contains an entry for this variant (Variation ID: 461454). Invitae Evidence Modeling of protein sequence and biophysical properties (such as structural, functional, and spatial information, amino acid conservation, physicochemical variation, residue mobility, and thermodynamic stability) indicates that this missense variant is not expected to disrupt CHAT protein function with a negative predictive value of 95%. In summary, the available evidence is currently insufficient to determine the role of this variant in disease. Therefore, it has been classified as a Variant of Uncertain Significance.